The following is an entry in ClinVar:

ClinVar aggregate classification (germline): Benign/Likely benign. Review status: criteria provided, multiple submitters, no conflicts (2 of 4 stars). 4 submissions from 4 submitters: Benign (1); Likely benign (3). Last evaluated 2025-03-03.

Conditions:
Lynch syndrome 4 (LYNCH4). Also called: Colorectal cancer, hereditary nonpolyposis, type 4; Hereditary non-polyposis colorectal cancer, type 4. Identifiers: Orphanet 144, MedGen C1838333, MONDO:0013699, OMIM 614337. Disease mechanism: loss of function.
Hereditary nonpolyposis colorectal neoplasms. Identifiers: MedGen C0009405, MeSH D003123.
Hereditary cancer-predisposing syndrome. Also called: Hereditary neoplastic syndrome; Hereditary Cancer Syndrome; Tumor predisposition; Neoplastic Syndromes, Hereditary. Identifiers: Orphanet 140162, MedGen C0027672, MeSH D009386, MONDO:0015356.

Submissions (4):

Color Diagnostics, LLC DBA Color Health
Classification: Likely benign for Hereditary cancer-predisposing syndrome. Last evaluated: 2025-03-03. Review status: criteria provided, single submitter. Criteria: ACMG Guidelines, 2015. Collection method: clinical testing. Allele origin: germline.

Myriad Genetics, Inc.
Classification: Benign for Lynch syndrome 4. Last evaluated: 2025-01-27. Review status: criteria provided, single submitter. Criteria: Myriad Autosomal Dominant, Autosomal Recessive and X-Linked Classification Criteria (2023). Collection method: clinical testing. Allele origin: unknown.
Comment: This variant is considered benign. This variant is a silent/synonymous amino acid change and it is not expected to impact splicing.

Labcorp Genetics (formerly Invitae), Labcorp
Classification: Likely benign for Hereditary nonpolyposis colorectal neoplasms. Last evaluated: 2021-12-06. Review status: criteria provided, single submitter. Criteria: Invitae Variant Classification Sherloc (09022015). Collection method: clinical testing. Allele origin: germline.

Ambry Genetics
Classification: Likely benign for Hereditary cancer-predisposing syndrome. Last evaluated: 2020-09-09. Review status: criteria provided, single submitter. Criteria: Ambry Variant Classification Scheme 2023. Collection method: clinical testing. Allele origin: germline.

NM_000535.7(PMS2):c.484T>C (p.Leu162=)

Gene: PMS2 (PMS1 homolog 2, mismatch repair system component; minus strand). Cytogenetic location: 7p22.1.
Variant type: single nucleotide variant.
Coding change: c.484T>C on transcript NM_000535.7 (MANE Select); coding-DNA position 484, T replaced by C.
Protein change: p.Leu162=; no amino-acid change (leucine 162 retained).
Molecular consequence: synonymous variant. On other transcripts: 5 prime UTR variant (2), non-coding transcript variant (1).
Genome position (GRCh38, 1-based): chr7:6,002,506, A>G on the plus strand (T>C on the coding strand, the complement: PMS2 is on the minus strand). VCF-style: chr7-6002506-A-G. GRCh37 (hg19) VCF-style: chr7-6042137-A-G.
Other names: c.79T>C, p.Leu27= (NM_001322003.2, NM_001322004.2, NM_001322005.2 and 3 more transcripts); c.484T>C, p.Leu162= (NM_001322006.2, NM_001322014.2); c.166T>C, p.Leu56= (NM_001322007.2, NM_001322008.2); c.-401T>C (NM_001322011.2, NM_001322012.2); c.175T>C, p.Leu59= (NM_001322015.2).
Identifiers: ClinVar variation 1135583 (VCV001135583.13), dbSNP rs1554303909, ClinGen allele CA453647628.